The following is an entry in ClinVar:

NM_000126.4(ETFA):c.203_204del (p.Leu67_Cys68insTer)

Gene: ETFA (electron transfer flavoprotein subunit alpha; minus strand). Cytogenetic location: 15q24.2.
Variant type: Deletion.
Coding change: c.203_204del on transcript NM_000126.4 (MANE Select); coding-DNA positions 203 to 204, 2 bases deleted (GT; older notation c.203_204delGT).
Protein change: p.Leu67_Cys68insTer.
Molecular consequence: nonsense.
Genome position (GRCh38, 1-based): chr15:76,292,683-76,292,684, AC deleted on the plus strand (GT on the coding strand, the reverse complement: ETFA is on the minus strand); deleting any 2 consecutive bases within chr15:76,292,683-76,292,685 gives the same sequence; the c. name uses the placement nearest the transcript's 3' end. VCF-style (leftmost placement, unchanged base first): chr15-76292682-TAC-T. GRCh37 (hg19) VCF-style: chr15-76585023-TAC-T.
Other names: c.56_57del, p.Leu18_Cys19insTer (NM_001127716.2); c.203_204delGT (NM_000126.3).
Identifiers: ClinVar variation 2675088 (VCV002675088.5), dbSNP rs1567218476, ClinGen allele CA619415699.

ClinVar aggregate classification (germline): Pathogenic/Likely pathogenic. Review status: criteria provided, multiple submitters, no conflicts (2 of 4 stars). 3 submissions from 3 submitters: Pathogenic (1); Likely pathogenic (2). Last evaluated 2025-06-16.

Conditions:
Glutaric acidemia type 2A.
Multiple acyl-CoA dehydrogenase deficiency (MADD). Also called: ETHYLMALONIC-ADIPICACIDURIA; GA II; Glutaric Acidemia type 2; Glutaric aciduria, type 2; Glutaric acidemia type II; GA 2. Identifiers: Orphanet 26791, MedGen C0268596, MONDO:0009282, OMIM 231680.

Submissions (3):

Natera, Inc.
Classification: Likely pathogenic for Glutaric acidemia type 2A. Last evaluated: 2025-06-16. Review status: criteria provided, single submitter. Criteria: Natera Variant Classification Schema (03/2026). Collection method: clinical testing. Allele origin: germline.
Comment: The c.203_204delGT variant in ETFA is a frameshift variant predicted to shift the reading frame and introduce a stop codon. This variant is expected to result in nonsense mediated decay, truncation, or a dysfunctional protein product. This variant is rare in the general population with a frequency below the threshold expected for the associated phenotype(s). Given the available evidence, this variant is classified as Likely Pathogenic.

Labcorp Genetics (formerly Invitae), Labcorp
Classification: Pathogenic for Multiple acyl-CoA dehydrogenase deficiency. Last evaluated: 2023-05-25. Review status: criteria provided, single submitter. Criteria: Invitae Variant Classification Sherloc (09022015). Collection method: clinical testing. Allele origin: germline.
Comment: For these reasons, this variant has been classified as Pathogenic. This variant has not been reported in the literature in individuals affected with ETFA-related conditions. This variant is present in population databases (no rsID available, gnomAD 0.003%). This sequence change creates a premature translational stop signal (p.Cys68*) in the ETFA gene. It is expected to result in an absent or disrupted protein product. Loss-of-function variants in ETFA are known to be pathogenic (PMID: 16510302, 23785301).

Baylor Genetics
Classification: Likely pathogenic for Multiple acyl-CoA dehydrogenase deficiency. Last evaluated: 2021-12-06. Review status: criteria provided, single submitter. Criteria: ACMG Guidelines, 2015. Collection method: clinical testing. Allele origin: unknown.

Literature cited by the submitters: PubMed 16510302 (cited by Labcorp Genetics (formerly Invitae), Labcorp); PubMed 23785301 (cited by Labcorp Genetics (formerly Invitae), Labcorp).